The following is an entry in ClinVar:

NM_138694.4(PKHD1):c.2484C>A (p.Tyr828Ter)

Gene: PKHD1 (PKHD1 ciliary IPT domain containing fibrocystin/polyductin; minus strand). Cytogenetic location: 6p12.2.
Variant type: single nucleotide variant.
Coding change: c.2484C>A on transcript NM_138694.4 (MANE Select); coding-DNA position 2484, C replaced by A.
Protein change: p.Tyr828Ter; replaces tyrosine 828 with a stop codon.
Molecular consequence: nonsense.
Genome position (GRCh38, 1-based): chr6:52,046,112, G>T on the plus strand (C>A on the coding strand, the complement: PKHD1 is on the minus strand). VCF-style: chr6-52046112-G-T. GRCh37 (hg19) VCF-style: chr6-51910910-G-T.
Other names: c.2484C>A, p.Tyr828Ter (NM_170724.3); short protein forms Y828*.
Identifiers: ClinVar variation 4816607 (VCV004816607.1).

ClinVar aggregate classification (germline): Likely pathogenic (1 of 4 stars; one submission).

Conditions:
Autosomal recessive polycystic kidney disease (ARPKD). Also called: AR polycystic kidney disease. Identifiers: Orphanet 731, Orphanet 8378, MedGen C0085548, MeSH D017044, MONDO:0009889.

gnomAD v4.1: 1 of 1,613,378 alleles (0.000062%); highest among the groups gnomAD compares: Non-Finnish European, 0.000085%; no homozygotes.

Submission:

Natera, Inc.
Classification: Likely pathogenic for Autosomal recessive polycystic kidney disease. Last evaluated: 2025-02-06. Review status: criteria provided, single submitter. Criteria: Natera Variant Classification Schema (03/2026). Collection method: clinical testing. Allele origin: germline.
Comment: The c.2484C>A variant in PKHD1 is a nonsense variant predicted to introduce a stop codon at amino acid 828. This variant is expected to result in nonsense mediated decay, truncation, or a dysfunctional protein product. This variant is rare in the general population with a frequency below the threshold expected for the associated phenotype(s). Given the available evidence, this variant is classified as Likely Pathogenic.